The following is an entry in ClinVar:

ClinVar aggregate classification (germline): Uncertain significance (1 of 4 stars; one submission).

Submission:

Labcorp Genetics (formerly Invitae), Labcorp
Classification: Uncertain significance. Last evaluated: 2021-10-07. Review status: criteria provided, single submitter. Criteria: Invitae Variant Classification Sherloc (09022015). Collection method: clinical testing. Allele origin: germline.
Comment: This sequence change replaces threonine with alanine at codon 123 of the DNAJC17 protein (p.Thr123Ala). The threonine residue is highly conserved and there is a small physicochemical difference between threonine and alanine. In summary, the available evidence is currently insufficient to determine the role of this variant in disease. Therefore, it has been classified as a Variant of Uncertain Significance. Algorithms developed to predict the effect of missense changes on protein structure and function are either unavailable or do not agree on the potential impact of this missense change (SIFT: "Deleterious"; PolyPhen-2: "Benign"; Align-GVGD: "Class C0"). This variant has not been reported in the literature in individuals affected with DNAJC17-related conditions. This variant is not present in population databases (ExAC no frequency).

NM_018163.3(DNAJC17):c.367A>G (p.Thr123Ala)

Gene: DNAJC17 (DnaJ heat shock protein family (Hsp40) member C17; minus strand). Cytogenetic location: 15q15.1.
Variant type: single nucleotide variant.
Coding change: c.367A>G on transcript NM_018163.3 (MANE Select); coding-DNA position 367, A replaced by G.
Protein change: p.Thr123Ala; replaces threonine 123 with alanine.
Molecular consequence: missense variant.
Genome position (GRCh38, 1-based): chr15:40,776,556, T>C on the plus strand (A>G on the coding strand, the complement: DNAJC17 is on the minus strand). VCF-style: chr15-40776556-T-C. GRCh37 (hg19) VCF-style: chr15-41068754-T-C.
Other names: short protein forms T123A.
Identifiers: ClinVar variation 1362878 (VCV001362878.6), dbSNP rs2141949634, ClinGen allele CA391765296.
Genomic context (GRCh38, chr15:40,776,556, plus strand): 5'-CCTCCTCCTGCAGGTGGCCTTCTGGCCAGTGTGCCTGAGTGCTCACCTCTTGCTCTAGTG[T>C]CCTGGTGCTCCGGCTCTCCTCTTCCTCCTCACTCTCCTGGGCCTGGGCCTGCCGCTCCCG-3'
Protein context (NP_060633.1, residues 113-133): EEEEESRSTR[Thr123Ala]LEQEIERLRE